The following is an entry in ClinVar:

NM_032217.5(ANKRD17):c.5650G>C (p.Ala1884Pro)

Gene: ANKRD17 (ankyrin repeat domain 17; minus strand). Cytogenetic location: 4q13.3.
Variant type: single nucleotide variant.
Coding change: c.5650G>C on transcript NM_032217.5 (MANE Select); coding-DNA position 5650, G replaced by C.
Protein change: p.Ala1884Pro; replaces alanine 1884 with proline.
Molecular consequence: missense variant.
Genome position (GRCh38, 1-based): chr4:73,091,978, C>G on the plus strand (G>C on the coding strand, the complement: ANKRD17 is on the minus strand). VCF-style: chr4-73091978-C-G. GRCh37 (hg19) VCF-style: chr4-73957695-C-G.
Other names: c.4897G>C, p.Ala1633Pro (NM_198889.3); c.5311G>C, p.Ala1771Pro (NM_001286771.3); c.5647G>C, p.Ala1883Pro (NM_015574.2); short protein forms A1633P, A1771P, A1883P, A1884P.
Identifiers: ClinVar variation 3899759 (VCV003899759.1).

ClinVar aggregate classification (germline): Uncertain significance (1 of 4 stars; one submission).

Submission:

GeneDx
Classification: Uncertain significance. Last evaluated: 2024-11-15. Review status: criteria provided, single submitter. Criteria: GeneDx Variant Classification Process June 2021. Collection method: clinical testing. Allele origin: germline. Affected: yes.
Comment: Not observed at significant frequency in large population cohorts (gnomAD); In silico analysis supports that this missense variant has a deleterious effect on protein structure/function; Has not been previously published as pathogenic or benign to our knowledge